The following is an entry in ClinVar:

ClinVar aggregate classification (germline): Uncertain significance. Review status: reviewed by expert panel (3 of 4 stars). 2 submissions from 2 submitters: Uncertain significance (1). 1 of the submissions does not count toward it. Last evaluated 2025-01-15.

Conditions:
Hereditary thrombocytopenia and hematological cancer predisposition syndrome associated with RUNX1. Also called: Familial Platelet Disorder with Propensity to Acute Myelogenous Leukemia; Familial thrombocytopenia with propensity to acute myelogenous leukemia; PLATELET DISORDER, ASPIRIN-LIKE; RUNX1 Familial Platelet Disorder with Associated Myeloid Malignancies. Identifiers: Orphanet 71290, MedGen C1832388, MeSH C563324, MONDO:0100083, OMIM 601399.
Hereditary thrombocytopenia and hematologic cancer predisposition syndrome. Identifiers: Orphanet 71290, MedGen CN281654, MONDO:0011071.

Submissions (2):

ClinGen Myeloid Malignancy Variant Curation Expert Panel
Classification: Uncertain significance for Hereditary thrombocytopenia and hematologic cancer predisposition syndrome. Last evaluated: 2025-01-15. Review status: reviewed by expert panel. Criteria: ClinGen MyeloMalig ACMG Specifications v2. Collection method: curation. Allele origin: germline. Inheritance: Autosomal dominant inheritance.
Comment: NM_001754.5(RUNX1):c.557T>C (p.Val186Ala) is a missense variant which is completely absent from all population databases with at least 20x coverage for RUNX1 (PM2_supporting). This missense variant is located within the Runt Homology Domain (AA 89-204) but does not occur in an established hotspot residue (PM1_supporting). It has a REVEL score ≥ 0.88 (0.954) (PP3). In summary, the clinical significance of this variant is uncertain. ACMG/AMP criteria applied, as specified by the Myeloid Malignancy Variant Curation Expert Panel for RUNX1: PP3, PM1_supporting, PM2_supporting.

Labcorp Genetics (formerly Invitae), Labcorp
Classification: Uncertain significance for Hereditary thrombocytopenia and hematological cancer predisposition syndrome associated with RUNX1. Last evaluated: 2022-04-16. Review status: criteria provided, single submitter. Criteria: Invitae Variant Classification Sherloc (09022015). Collection method: clinical testing. Allele origin: germline. Not counted in ClinVar's aggregate classification.
Comment: Algorithms developed to predict the effect of missense changes on protein structure and function are either unavailable or do not agree on the potential impact of this missense change (SIFT: "Deleterious"; PolyPhen-2: "Benign"; Align-GVGD: "Class C0"). This sequence change replaces valine, which is neutral and non-polar, with alanine, which is neutral and non-polar, at codon 186 of the RUNX1 protein (p.Val186Ala). This variant is not present in population databases (gnomAD no frequency). This variant has not been reported in the literature in individuals affected with RUNX1-related conditions. In summary, the available evidence is currently insufficient to determine the role of this variant in disease. Therefore, it has been classified as a Variant of Uncertain Significance.

NM_001754.5(RUNX1):c.557T>C (p.Val186Ala)

Genes: RUNX1 (RUNX family transcription factor 1; minus strand), RUNX1-AS1 (RUNX1 antisense RNA 1; plus strand). Cytogenetic location: 21q22.12.
Variant type: single nucleotide variant.
Coding change: c.557T>C on transcript NM_001754.5 (MANE Select); coding-DNA position 557, T replaced by C.
Protein change: p.Val186Ala; replaces valine 186 with alanine.
Molecular consequence: missense variant.
Genome position (GRCh38, 1-based): chr21:34,859,530, A>G on the plus strand (T>C on the coding strand, the complement: RUNX1 is on the minus strand). VCF-style: chr21-34859530-A-G. GRCh37 (hg19) VCF-style: chr21-36231827-A-G.
Other names: NM_001754.5(RUNX1):c.557T>C; p.Val186Ala; c.476T>C, p.Val159Ala (NM_001001890.3, NM_001122607.2); short protein forms V159A, V186A.
Identifiers: ClinVar variation 2126813 (VCV002126813.5), dbSNP rs797045927, ClinGen allele CA410208054.
Genomic context (GRCh38, chr21:34,859,530, plus strand): 5'-TTACTTCGAGGTTCTCGGGGCCCATCCACTGTGATTTTGATGGCTCTGTGGTAGGTGGCG[A>G]CTTGCGGTGGGTTTGTGAAGACAGTGATGGTCAGAGTGAAGCTTTTCCCTGTGGGGACAC-3'
Protein context (NP_001745.2, residues 176-196): TITVFTNPPQ[Val186Ala]ATYHRAIKIT